The following is an entry in ClinVar:

NM_005585.5(SMAD6):c.1219G>T (p.Glu407Ter)

Gene: SMAD6 (SMAD family member 6; plus strand). Cytogenetic location: 15q22.31.
Variant type: single nucleotide variant.
Coding change: c.1219G>T on transcript NM_005585.5 (MANE Select); coding-DNA position 1219, G replaced by T.
Protein change: p.Glu407Ter; replaces glutamic acid 407 with a stop codon.
Molecular consequence: nonsense. On other transcripts: non-coding transcript variant (1).
Genome position (GRCh38, 1-based): chr15:66,781,263, G>T. VCF-style: chr15-66781263-G-T. GRCh37 (hg19) VCF-style: chr15-67073601-G-T.
Other names: short protein forms E407*.
Identifiers: ClinVar variation 3340280 (VCV003340280.1).
Genomic context (GRCh38, chr15:66,781,263, plus strand): 5'-ATCGGCTTCGGCATCCTGCTCAGCAAGGAGCCCGACGGCGTGTGGGCCTACAACCGCGGC[G>T]AGCACCCCATCTTCGTCAACTCCCCGACGCTGGACGCGCCCGGCGGCCGCGCCCTGGTCG-3'

ClinVar aggregate classification (germline): Likely pathogenic (1 of 4 stars; one submission).

gnomAD v4.1: 2 of 1,607,898 alleles (0.00012%); highest among the groups gnomAD compares: Non-Finnish European, 0.00017%; no homozygotes.

Submission:

GeneDx
Classification: Likely pathogenic. Last evaluated: 2024-03-11. Review status: criteria provided, single submitter. Criteria: GeneDx Variant Classification Process June 2021. Collection method: clinical testing. Allele origin: germline. Affected: yes.
Comment: Nonsense variant predicted to result in protein truncation, as the last 90 amino acids are lost, and other loss-of-function variants have been reported downstream in HGMD; Not observed at significant frequency in large population cohorts (gnomAD); This variant is associated with the following publications: (PMID: 27606499)